The following is an entry in ClinVar:

ClinVar aggregate classification (germline): Benign/Likely benign. Review status: criteria provided, multiple submitters, no conflicts (2 of 4 stars). 3 submissions from 3 submitters: Benign (1); Likely benign (2). Last evaluated 2026-02-03.

Submissions (3):

Labcorp Genetics (formerly Invitae), Labcorp
Classification: Likely benign. Last evaluated: 2026-02-03. Review status: criteria provided, single submitter. Criteria: Invitae Variant Classification Sherloc (09022015). Collection method: clinical testing. Allele origin: germline.

Mayo Clinic Laboratories, Mayo Clinic
Classification: Benign. Last evaluated: 2025-08-29. Review status: criteria provided, single submitter. Criteria: ACMG Guidelines, 2015. Collection method: clinical testing. Allele origin: germline. Observed: 1 variant allele.
Comment: BA1, BP4, BP7

Blueprint Genetics
Classification: Likely benign. Last evaluated: 2024-11-23. Review status: criteria provided, single submitter. Criteria: ACMG Guidelines, 2015. Collection method: clinical testing. Allele origin: germline.

NM_172362.3(KCNH1):c.80-19_80-18insTG

Gene: KCNH1 (potassium voltage-gated channel subfamily H member 1; minus strand). Cytogenetic location: 1q32.2.
Variant type: Insertion.
Coding change: c.80-19_80-18insTG on transcript NM_172362.3 (MANE Select); 19 bases into the intron before coding-DNA position 80 through 18 bases into the intron before coding-DNA position 80, TG inserted.
Molecular consequence: intron variant.
Genome position: GRCh38 VCF-style: chr1-211107395-A-AAC. GRCh37 (hg19) VCF-style: chr1-211280737-A-AAC.
Other names: p.?; c.80-19_80-18insGT (NM_172362.3); c.80-19_80-18insTG (NM_002238.4).
Identifiers: ClinVar variation 1566251 (VCV001566251.10), dbSNP rs1553380350, ClinGen allele CA1380112.